The following is an entry in ClinVar:

NM_007294.4(BRCA1):c.220C>G (p.Gln74Glu)

Gene: BRCA1 (BRCA1 DNA repair associated; minus strand). Cytogenetic location: 17q21.31.
Variant type: single nucleotide variant.
Coding change: c.220C>G on transcript NM_007294.4 (MANE Select); coding-DNA position 220, C replaced by G.
Protein change: p.Gln74Glu; replaces glutamine 74 with glutamic acid.
Molecular consequence: missense variant. On other transcripts: non-coding transcript variant (1).
Genome position (GRCh38, 1-based): chr17:43,104,949, G>C on the plus strand (C>G on the coding strand, the complement: BRCA1 is on the minus strand). VCF-style: chr17-43104949-G-C. GRCh37 (hg19) VCF-style: chr17-41256966-G-C.
Other names: c.10C>G, p.Gln4Glu (NM_001407902.1, NM_001407904.1, NM_001407906.1 and 58 more transcripts); c.220C>G, p.Gln74Glu (NM_001407919.1, NM_001407937.1, NM_001407938.1 and 168 more transcripts); c.79C>G, p.Gln27Glu (NM_001407920.1, NM_001407921.1, NM_001407922.1 and 99 more transcripts); c.-162C>G (NM_001407959.1, NM_001407960.1, NM_001407962.1 and 4 more transcripts); c.142C>G, p.Gln48Glu (NM_001408409.1, NM_001408411.1, NM_001408412.1 and 21 more transcripts); c.88C>G, p.Gln30Glu (NM_001408451.1); short protein forms Q27E, Q74E, Q48E, Q30E, Q4E.
Identifiers: ClinVar variation 865573 (VCV000865573.3), dbSNP rs80357234, ClinGen allele CA10601723.

Conditions:
Breast-ovarian cancer, familial, susceptibility to, 1 (BROVCA1). Also called: BRCA1 Hereditary Breast and Ovarian Cancer; OVARIAN CANCER, SUSCEPTIBILITY TO. Identifiers: Orphanet 145, MedGen C2676676, MONDO:0011450, OMIM 604370. Disease mechanism: loss of function.

Submission:

Brotman Baty Institute, University of Washington
No classification provided (evidence only). Condition: Breast-ovarian cancer, familial 1. Review status: no classification provided. Collection method: in vitro. Allele origin: not applicable. Functional consequence: functionally_normal.
ClinVar note: "not provided" was previously submitted as the classification for the variant. However, the classification appeared to be based only on an observation of functional data so it was converted to no classification on 2025-07-30.